The following is an entry in ClinVar:

NM_004793.4(LONP1):c.306C>A (p.Gly102=)

Genes: LONP1 (lon peptidase 1, mitochondrial; minus strand), LOC130063270 (ATAC-STARR-seq lymphoblastoid silent region 9931; plus strand). Cytogenetic location: 19p13.3.
Variant type: single nucleotide variant.
Coding change: c.306C>A on transcript NM_004793.4 (MANE Select); coding-DNA position 306, C replaced by A.
Protein change: p.Gly102=; no amino-acid change (glycine 102 retained).
Molecular consequence: synonymous variant. On other transcripts: non-coding transcript variant (1), intron variant (2).
Genome position (GRCh38, 1-based): chr19:5,719,827, G>T on the plus strand (C>A on the coding strand, the complement: LONP1 is on the minus strand). VCF-style: chr19-5719827-G-T. GRCh37 (hg19) VCF-style: chr19-5719838-G-T.
Other names: c.-160+392C>A (NM_001276480.1); c.125-11C>A (NM_001276479.2).
Identifiers: ClinVar variation 3032425 (VCV003032425.2), dbSNP rs2512442200, ClinGen allele CA505074716.
Genomic context (GRCh38, chr19:5,719,827, plus strand): 5'-CGGAAACACATCGGGGATCGTCATGGGCGTGAGCGCCGTTATGACCGGGCCTTCCCCGGC[G>T]CCCGCGCTGCCCCCCGCGCCGCCGGCTCCTTCCTCCGCGCCGCCCTCGGAGGCGTCCTCG-3'
Protein context (NP_004784.2, residues 92-112): EGAGGAGGSA[Gly102=]AGEGPVITAL

ClinVar aggregate classification (germline): Likely benign (0 of 4 stars; one submission).

Conditions:
LONP1-related disorder. Also called: LONP1-related disorders; LONP1-related condition.

Submission:

PreventionGenetics, part of Exact Sciences
Classification: Likely benign for LONP1-related condition. Last evaluated: 2020-09-23. Review status: no assertion criteria provided. Collection method: clinical testing. Allele origin: germline.
Comment: This variant is classified as likely benign based on ACMG/AMP sequence variant interpretation guidelines (Richards et al. 2015 PMID: 25741868, with internal and published modifications).